The following is an entry in ClinVar:

ClinVar aggregate classification (germline): Uncertain significance (1 of 4 stars; one submission).

Allele frequency attached by ClinVar (database versions not stated): gnomAD exomes below 0.00001; gnomAD 0.00001; ExAC 0.00002; TOPMed 0.00002.
gnomAD v4.1: 5 of 1,612,614 alleles (0.00031%); highest among the groups gnomAD compares: African/African-American, 0.0027%; no homozygotes.

Submission:

Labcorp Genetics (formerly Invitae), Labcorp
Classification: Uncertain significance. Last evaluated: 2022-01-21. Review status: criteria provided, single submitter. Criteria: Invitae Variant Classification Sherloc (09022015). Collection method: clinical testing. Allele origin: germline.
Comment: This sequence change falls in intron 58 of the HMCN1 gene. It does not directly change the encoded amino acid sequence of the HMCN1 protein. It affects a nucleotide within the consensus splice site. In summary, the available evidence is currently insufficient to determine the role of this variant in disease. Therefore, it has been classified as a Variant of Uncertain Significance. Variants that disrupt the consensus splice site are a relatively common cause of aberrant splicing (PMID: 17576681, 9536098). Algorithms developed to predict the effect of sequence changes on RNA splicing suggest that this variant may disrupt the consensus splice site. This variant has not been reported in the literature in individuals affected with HMCN1-related conditions. This variant is present in population databases (rs769831256, gnomAD 0.003%).

Literature cited by the submitters: PubMed 17576681; PubMed 9536098.

NM_031935.3(HMCN1):c.9046+5G>A

Gene: HMCN1 (hemicentin 1; plus strand). Cytogenetic location: 1q31.1.
Variant type: single nucleotide variant.
Coding change: c.9046+5G>A on transcript NM_031935.3 (MANE Select); 5 bases into the intron after coding-DNA position 9046, G replaced by A.
Molecular consequence: intron variant.
Genome position (GRCh38, 1-based): chr1:186,086,412, G>A. VCF-style: chr1-186086412-G-A. GRCh37 (hg19) VCF-style: chr1-186055544-G-A.
Identifiers: ClinVar variation 2199624 (VCV002199624.4), dbSNP rs769831256, ClinGen allele CA1293293.